The following is an entry in ClinVar:

ClinVar aggregate classification (germline): Uncertain significance. Review status: reviewed by expert panel (3 of 4 stars). 3 submissions from 3 submitters: Uncertain significance (1). 2 of the submissions do not count toward it. Last evaluated 2024-08-16.

Conditions:
Hereditary thrombocytopenia and hematological cancer predisposition syndrome associated with RUNX1. Also called: Familial Platelet Disorder with Propensity to Acute Myelogenous Leukemia; Familial thrombocytopenia with propensity to acute myelogenous leukemia; RUNX1 Familial Platelet Disorder with Associated Myeloid Malignancies; PLATELET DISORDER, ASPIRIN-LIKE. Identifiers: Orphanet 71290, MedGen C1832388, MeSH C563324, MONDO:0100083, OMIM 601399.
Hereditary thrombocytopenia and hematologic cancer predisposition syndrome. Identifiers: Orphanet 71290, MedGen CN281654, MONDO:0011071.
Inborn genetic diseases. Identifiers: MedGen C0950123, MeSH D030342.

Submissions (3):

ClinGen Myeloid Malignancy Variant Curation Expert Panel
Classification: Uncertain significance for Hereditary thrombocytopenia and hematologic cancer predisposition syndrome. Last evaluated: 2024-08-16. Review status: reviewed by expert panel. Criteria: ClinGen MyeloMalig ACMG Specifications v2. Collection method: curation. Allele origin: germline. Inheritance: Autosomal dominant inheritance.
Comment: NM_001754.5(RUNX1):c.352G>T (p.Val118Leu) is a missense variant which has a REVEL score ≥ 0.88 (0.926) (PP3). This missense variant is located within the Runt Homology Domain (AA 89-204), but does not occur in an established hotspot residue (PM1_supporting). This variant is completely absent from all population databases with at least 20x coverage for RUNX1 (PM2_supporting). In summary, the clinical significance of this variant is uncertain. ACMG/AMP criteria applied, as specified by the Myeloid Malignancy Variant Curation Expert Panel for RUNX1: PP3, PM1, PM2_supporting.

Ambry Genetics
Classification: Uncertain significance for Inborn genetic diseases. Last evaluated: 2025-08-01. Review status: criteria provided, single submitter. Criteria: Ambry Variant Classification Scheme 2023. Collection method: clinical testing. Allele origin: germline. Not counted in ClinVar's aggregate classification.
Comment: The p.V118L variant (also known as c.352G>T) is located in coding exon 4 of the RUNX1 gene. The valine at codon 118 is replaced by leucine, an amino acid with highly similar properties. This change occurs in the first base pair of coding exon 4. This amino acid position is conserved. In addition, this alteration is predicted to be deleterious by in silico analysis. Based on the available evidence, the clinical significance of this variant remains unclear.

Labcorp Genetics (formerly Invitae), Labcorp
Classification: Uncertain significance for Hereditary thrombocytopenia and hematological cancer predisposition syndrome associated with RUNX1. Last evaluated: 2021-05-19. Review status: criteria provided, single submitter. Criteria: Invitae Variant Classification Sherloc (09022015). Collection method: clinical testing. Allele origin: germline. Not counted in ClinVar's aggregate classification.
Comment: Algorithms developed to predict the effect of missense changes on protein structure and function are either unavailable or do not agree on the potential impact of this missense change (SIFT: "Deleterious"; PolyPhen-2: "Benign"; Align-GVGD: "Class C0"). Algorithms developed to predict the effect of sequence changes on RNA splicing suggest that this variant may disrupt the consensus splice site, but this prediction has not been confirmed by published transcriptional studies. In summary, the available evidence is currently insufficient to determine the role of this variant in disease. Therefore, it has been classified as a Variant of Uncertain Significance. This sequence change replaces valine with leucine at codon 118 of the RUNX1 protein (p.Val118Leu). The valine residue is highly conserved and there is a small physicochemical difference between valine and leucine. This variant is not present in population databases (ExAC no frequency). This variant has not been reported in the literature in individuals with RUNX1-related conditions.

NM_001754.5(RUNX1):c.352G>T (p.Val118Leu)

Genes: RUNX1 (RUNX family transcription factor 1; minus strand), RUNX1-AS1 (RUNX1 antisense RNA 1; plus strand). Cytogenetic location: 21q22.12.
Variant type: single nucleotide variant.
Coding change: c.352G>T on transcript NM_001754.5 (MANE Select); coding-DNA position 352, G replaced by T.
Protein change: p.Val118Leu; replaces valine 118 with leucine.
Molecular consequence: missense variant.
Genome position (GRCh38, 1-based): chr21:34,880,713, C>A on the plus strand (G>T on the coding strand, the complement: RUNX1 is on the minus strand). VCF-style: chr21-34880713-C-A. GRCh37 (hg19) VCF-style: chr21-36253010-C-A.
Other names: NM_001754.5(RUNX1):c.352G>T; p.Val118Leu; c.271G>T, p.Val91Leu (NM_001001890.3, NM_001122607.2); c.352G>T (NM_001754.4); short protein forms V118L, V91L.
Identifiers: ClinVar variation 1439732 (VCV001439732.10), dbSNP rs2057890361, ClinGen allele CA410202790.